The following is an entry in ClinVar:

NM_033380.3(COL4A5):c.2578G>A (p.Gly860Ser)

Gene: COL4A5 (collagen type IV alpha 5 chain; plus strand). Cytogenetic location: Xq22.3.
Variant type: single nucleotide variant.
Coding change: c.2578G>A on transcript NM_033380.3 (MANE Select); coding-DNA position 2578, G replaced by A.
Protein change: p.Gly860Ser; replaces glycine 860 with serine.
Molecular consequence: missense variant.
Genome position (GRCh38, 1-based): chrX:108,620,327, G>A. VCF-style: chrX-108620327-G-A. GRCh37 (hg19) VCF-style: chrX-107863557-G-A.
Other names: c.2578G>A, p.Gly860Ser (NM_000495.5); short protein forms G860S.
Identifiers: ClinVar variation 4995069 (VCV004995069.1).

ClinVar aggregate classification (germline): Likely pathogenic (1 of 4 stars; one submission).

Conditions:
COL4A5-related disorder. Also called: COL4A5-related condition.

Submission:

PreventionGenetics, part of Exact Sciences
Classification: Likely pathogenic for COL4A5-related condition. Last evaluated: 2026-04-14. Review status: criteria provided, single submitter. Criteria: ACMG Guidelines, 2015. Collection method: clinical testing. Allele origin: germline.
Comment: The COL4A5 c.2578G>A variant is predicted to result in the amino acid substitution p.Gly860Ser. The p.Gly860 residue resides in the triple-helical region (residues 42 – 1456) of the COL4A5 protein, where substitutions of the glycine (Gly) residue are usually pathogenic (Hudson et al. 1993. PubMed ID: 8253711). This variant has been reported in a family with individual(s) affected by Alport syndrome (Table S2, Yamamura et al. 2017. PubMed ID: 29270492). This variant has not been reported in a large population database (gnomAD), indicating this variant is rare. Of note, different substitutions at the same glycine residue have been reported in individuals with Alport syndrome (see for example, p.Gly860Arg in Table S1, Bekheirnia et al. 2010. PubMed ID: 20378821; p.Gly860Asp in Table S2, Yamamura et al. 2017. PubMed ID: 29270492). In addition, at other glycine (Gly) residues within this domain, substitutions of a glycine (Gly) with a serine (Ser) have been widely reported to be causative for COL4A5-related Alport syndrome spectrum disorders (see for example, p.Gly1170Ser in Gast et al. 2016. PubMed ID: 26346198; p.Gly298Ser in Table S1 of Kim et al. 2023. PubMed ID: 37100867). Taken together, the c.2578G>A (p.Gly860Ser) variant is interpreted as likely pathogenic for COL4A5-related Alport syndrome spectrum disorders.